The following is an entry in ClinVar:

ClinVar aggregate classification (germline): Uncertain significance (1 of 4 stars; one submission).

gnomAD v4.1: 1 of 1,600,824 alleles (0.000062%); highest among the groups gnomAD compares: Non-Finnish European, 0.000085%; no homozygotes.

Submission:

Ambry Genetics
Classification: Uncertain significance. Last evaluated: 2026-03-09. Review status: criteria provided, single submitter. Criteria: Ambry Variant Classification Scheme 2023. Collection method: clinical testing. Allele origin: germline.
Comment: The p.E212D variant (also known as c.636G>C), located in coding exon 3 of the GFI1 gene, results from a G to C substitution at nucleotide position 636. The glutamic acid at codon 212 is replaced by aspartic acid, an amino acid with highly similar properties. This amino acid position is conserved. In addition, this alteration is predicted to be tolerated by in silico analysis. Based on the available evidence, the clinical significance of this variant remains unclear.

NM_005263.5(GFI1):c.636G>C (p.Glu212Asp)

Gene: GFI1 (growth factor independent 1 transcriptional repressor; minus strand). Cytogenetic location: 1p22.1.
Variant type: single nucleotide variant.
Coding change: c.636G>C on transcript NM_005263.5 (MANE Select); coding-DNA position 636, G replaced by C.
Protein change: p.Glu212Asp; replaces glutamic acid 212 with aspartic acid.
Molecular consequence: missense variant.
Genome position (GRCh38, 1-based): chr1:92,480,751, C>G on the plus strand (G>C on the coding strand, the complement: GFI1 is on the minus strand). VCF-style: chr1-92480751-C-G. GRCh37 (hg19) VCF-style: chr1-92946308-C-G.
Other names: c.636G>C, p.Glu212Asp (NM_001127215.3, NM_001127216.3); short protein forms E212D.
Identifiers: ClinVar variation 4827137 (VCV004827137.1).